The following is an entry in ClinVar:

NM_020433.5(JPH2):c.14G>A (p.Arg5His)

Gene: JPH2 (junctophilin 2; minus strand). Cytogenetic location: 20q13.12.
Variant type: single nucleotide variant.
Coding change: c.14G>A on transcript NM_020433.5 (MANE Select); coding-DNA position 14, G replaced by A.
Protein change: p.Arg5His; replaces arginine 5 with histidine.
Molecular consequence: missense variant.
Genome position (GRCh38, 1-based): chr20:44,186,692, C>T on the plus strand (G>A on the coding strand, the complement: JPH2 is on the minus strand). VCF-style: chr20-44186692-C-T. GRCh37 (hg19) VCF-style: chr20-42815332-C-T.
Other names: c.14G>A, p.Arg5His (NM_175913.4); short protein forms R5H.
Identifiers: ClinVar variation 3531485 (VCV003531485.1).
Genomic context (GRCh38, chr20:44,186,692, plus strand): 5'-CCATGGGCCTTTCCCCCCTCCCAGCCCCCGCAGTACGCCCCTCCATCATCAAAGTCGAAG[C>T]GGCCCCCACTCATCTCATCATAGCCCCTGACAACCTCCCCGTCCTCCAGCGTGGGTGCAG-3'
Protein context (NP_065166.2, residues 1-15): MSGG[Arg5His]FDFDDGGAYC

ClinVar aggregate classification (germline): Uncertain significance (1 of 4 stars; one submission).

Conditions:
Cardiovascular phenotype. Identifiers: MedGen CN230736.

Submission:

Ambry Genetics
Classification: Uncertain significance for Cardiovascular phenotype. Last evaluated: 2024-09-30. Review status: criteria provided, single submitter. Criteria: Ambry Variant Classification Scheme 2023. Collection method: clinical testing. Allele origin: germline.
Comment: The p.R5H variant (also known as c.14G>A), located in coding exon 1 of the JPH2 gene, results from a G to A substitution at nucleotide position 14. The arginine at codon 5 is replaced by histidine, an amino acid with highly similar properties. This amino acid position is conserved. In addition, the in silico prediction for this alteration is inconclusive. Based on the available evidence, the clinical significance of this variant remains unclear.